The following is an entry in ClinVar:

NM_001429.4(EP300):c.5675C>T (p.Ala1892Val)

Gene: EP300 (EP300 lysine acetyltransferase; plus strand). Cytogenetic location: 22q13.2.
Variant type: single nucleotide variant.
Coding change: c.5675C>T on transcript NM_001429.4 (MANE Select); coding-DNA position 5675, C replaced by T.
Protein change: p.Ala1892Val; replaces alanine 1892 with valine.
Molecular consequence: missense variant.
Genome position (GRCh38, 1-based): chr22:41,177,386, C>T. VCF-style: chr22-41177386-C-T. GRCh37 (hg19) VCF-style: chr22-41573390-C-T.
Other names: c.5597C>T, p.Ala1866Val (NM_001362843.2); short protein forms A1866V, A1892V.
Identifiers: ClinVar variation 4686424 (VCV004686424.1).

ClinVar aggregate classification (germline): Uncertain significance (1 of 4 stars; one submission).

gnomAD v4.1: 2 of 1,614,138 alleles (0.00012%); highest among the groups gnomAD compares: South Asian, 0.0011%; no homozygotes.

Submission:

GeneDx
Classification: Uncertain significance. Last evaluated: 2025-07-15. Review status: criteria provided, single submitter. Criteria: GeneDx Variant Classification Process June 2021. Collection method: clinical testing. Allele origin: germline. Affected: yes.
Comment: In silico analysis suggests that this missense variant does not alter protein structure/function; Has not been previously published as pathogenic or benign to our knowledge